The following is an entry in ClinVar:

ClinVar aggregate classification (germline): Likely benign. Review status: criteria provided, multiple submitters, no conflicts (2 of 4 stars). 4 submissions from 4 submitters: Likely benign (3). 1 of the submissions does not count toward it. Last evaluated 2026-01-22.

Conditions:
Glomerulopathy with fibronectin deposits 2 (GFND2). Identifiers: Orphanet 84090, MedGen C1866075, MONDO:0011165, OMIM 601894.
Spondylometaphyseal dysplasia - Sutcliffe type. Also called: Spondylometaphyseal Dysplasia, Corner Fracture Type; Sutcliffe type of spondylometaphyseal dysplasia; Sutcliffe SMD; Spondylometaphyseal dysplasia, 'corner fracture' type. Identifiers: Orphanet 93315, MedGen C0432221, MONDO:0008479, OMIM 184255.
FN1-related disorder. Also called: FN1-related condition.

Allele frequency attached by ClinVar (database versions not stated): ExAC 0.00027; gnomAD exomes 0.00027 and 0.00038; ESP Exome Variant Server 0.00031; gnomAD 0.00031 and 0.00032; TOPMed 0.00032; 1000 Genomes Project 30x 0.00047; 1000 Genomes Project 0.00060.
gnomAD v4.1: 595 of 1,613,842 alleles (0.037%); highest among the groups gnomAD compares: Admixed American, 0.055%; no homozygotes.

Submissions (5):

Labcorp Genetics (formerly Invitae), Labcorp
Classification: Likely benign. Last evaluated: 2026-01-22. Review status: criteria provided, single submitter. Criteria: Invitae Variant Classification Sherloc (09022015). Collection method: clinical testing. Allele origin: germline.

Blueprint Genetics
Classification: Likely benign. Last evaluated: 2024-11-18. Review status: criteria provided, single submitter. Criteria: ACMG Guidelines, 2015. Collection method: clinical testing. Allele origin: germline.

Fulgent Genetics
Classification: Likely benign for Spondylometaphyseal dysplasia - Sutcliffe type; Glomerulopathy with fibronectin deposits 2. Last evaluated: 2021-11-18. Review status: criteria provided, single submitter. Criteria: ACMG Guidelines, 2015. Collection method: clinical testing. Allele origin: unknown.

PreventionGenetics, part of Exact Sciences
Classification: Likely benign for FN1-related condition. Last evaluated: 2024-02-16. Review status: no assertion criteria provided. Collection method: clinical testing. Allele origin: germline. Not counted in ClinVar's aggregate classification.
Comment: This variant is classified as likely benign based on ACMG/AMP sequence variant interpretation guidelines (Richards et al. 2015 PMID: 25741868, with internal and published modifications).

Dr. Peter K. Rogan Lab, Western University
No classification provided (evidence only). Condition: Melanoma. Review status: no classification provided. Collection method: in vitro. Allele origin: not applicable. Functional consequence: retained intron. Not counted in ClinVar's aggregate classification.

NM_212482.4(FN1):c.1860G>A (p.Pro620=)

Gene: FN1 (fibronectin 1; minus strand). Cytogenetic location: 2q35.
Variant type: single nucleotide variant.
Coding change: c.1860G>A on transcript NM_212482.4 (MANE Select); coding-DNA position 1860, G replaced by A.
Protein change: p.Pro620=; no amino-acid change (proline 620 retained).
Molecular consequence: synonymous variant.
Genome position (GRCh38, 1-based): chr2:215,414,918, C>T on the plus strand (G>A on the coding strand, the complement: FN1 is on the minus strand). VCF-style: chr2-215414918-C-T. GRCh37 (hg19) VCF-style: chr2-216279641-C-T.
Other names: c.1860G>A, p.Pro620= (NM_001306129.2, NM_001306130.2, NM_001306131.2 and 14 more transcripts).
Identifiers: ClinVar variation 720420 (VCV000720420.15), dbSNP rs147845471, ClinGen allele CA2095140.